The following is an entry in ClinVar:

NM_001042472.3(ABHD12):c.1041C>T (p.Ile347=)

Gene: ABHD12 (abhydrolase domain containing 12, lysophospholipase; minus strand). Cytogenetic location: 20p11.21.
Variant type: single nucleotide variant.
Coding change: c.1041C>T on transcript NM_001042472.3 (MANE Select); coding-DNA position 1041, C replaced by T.
Protein change: p.Ile347=; no amino-acid change (isoleucine 347 retained).
Molecular consequence: synonymous variant.
Genome position (GRCh38, 1-based): chr20:25,302,335, G>A on the plus strand (C>T on the coding strand, the complement: ABHD12 is on the minus strand). VCF-style: chr20-25302335-G-A. GRCh37 (hg19) VCF-style: chr20-25282971-G-A.
Other names: p.Ile347=; c.1041C>T, p.Ile347= (NM_015600.5).
Identifiers: ClinVar variation 283186 (VCV000283186.56), dbSNP rs188888939, ClinGen allele CA9795838.

ClinVar aggregate classification (germline): Conflicting classifications of pathogenicity. Review status: criteria provided, conflicting classifications (1 of 4 stars). 8 submissions from 8 submitters: Uncertain significance (2); Likely benign (6). Last evaluated 2026-01-01.

Conditions:
PHARC syndrome. Also called: Polyneuropathy-hearing loss-ataxia-retinitis pigmentosa-cataract syndrome. Identifiers: Orphanet 171848, MedGen C2675204, MONDO:0012984, OMIM 612674.

Allele frequency attached by ClinVar (database versions not stated): ExAC 0.00021; gnomAD exomes 0.00025 and 0.00038; 1000 Genomes Project 30x 0.00031; ESP Exome Variant Server 0.00031; TOPMed 0.00032; gnomAD 0.00035 and 0.00036; 1000 Genomes Project 0.00040.
gnomAD v4.1: 597 of 1,613,382 alleles (0.037%); highest among the groups gnomAD compares: Non-Finnish European, 0.047%; no homozygotes.

Submissions (8):

CeGaT Center for Human Genetics Tuebingen
Classification: Likely benign. Last evaluated: 2026-01-01. Review status: criteria provided, single submitter. Criteria: CeGaT Center For Human Genetics Tuebingen Variant Classification Criteria Version 2. Collection method: clinical testing. Allele origin: germline. Affected: yes. Observed: 8 variant alleles.
Comment: ABHD12: BP4, BP7

Labcorp Genetics (formerly Invitae), Labcorp
Classification: Likely benign. Last evaluated: 2025-12-01. Review status: criteria provided, single submitter. Criteria: Invitae Variant Classification Sherloc (09022015). Collection method: clinical testing. Allele origin: germline.

Mayo Clinic Laboratories, Mayo Clinic
Classification: Likely benign. Last evaluated: 2025-05-19. Review status: criteria provided, single submitter. Criteria: ACMG Guidelines, 2015. Collection method: clinical testing. Allele origin: germline. Observed: 3 variant alleles.
Comment: BP4, BP7

Blueprint Genetics
Classification: Likely benign. Last evaluated: 2024-11-08. Review status: criteria provided, single submitter. Criteria: ACMG Guidelines, 2015. Collection method: clinical testing. Allele origin: germline.

GeneDx
Classification: Likely benign. Last evaluated: 2020-03-31. Review status: criteria provided, single submitter. Criteria: GeneDx Variant Classification Process June 2021. Collection method: clinical testing. Allele origin: germline. Affected: yes.

Athena Diagnostics
Classification: Likely benign. Last evaluated: 2018-11-21. Review status: criteria provided, single submitter. Criteria: Athena Diagnostics Criteria. Collection method: clinical testing. Allele origin: germline.

Illumina Laboratory Services, Illumina
Classification: Uncertain significance for PHARC syndrome. Last evaluated: 2018-01-12. Review status: criteria provided, single submitter. Criteria: ICSL Variant Classification Criteria 13 December 2019. Collection method: clinical testing. Allele origin: germline.

Eurofins Ntd Llc (ga)
Classification: Uncertain significance. Last evaluated: 2016-09-30. Review status: criteria provided, single submitter. Criteria: EGL Classification Definitions 2015. Collection method: clinical testing. Allele origin: germline. Observed: 2 variant alleles, 2 heterozygotes.